The following is an entry in ClinVar:

ClinVar aggregate classification (germline): Uncertain significance. Review status: criteria provided, multiple submitters, no conflicts (2 of 4 stars). 10 submissions from 10 submitters: Uncertain significance (10). Last evaluated 2026-01-05.

Conditions:
Autosomal recessive polycystic kidney disease (ARPKD). Also called: AR polycystic kidney disease. Identifiers: Orphanet 731, Orphanet 8378, MedGen C0085548, MeSH D017044, MONDO:0009889.
Polycystic kidney disease 4 (PKD4). Also called: PKD3; Autosomal Recessive Polycystic Kidney Disease – PKHD1; POLYCYSTIC KIDNEY DISEASE 4 WITH OR WITHOUT POLYCYSTIC LIVER DISEASE; POLYCYSTIC KIDNEY AND HEPATIC DISEASE 1; POLYCYSTIC KIDNEY DISEASE, INFANTILE, TYPE I. Identifiers: MedGen C4540575, MONDO:0033004, OMIM 263200.
Inborn genetic diseases. Identifiers: MedGen C0950123, MeSH D030342.

Allele frequency attached by ClinVar (database versions not stated): ExAC 0.00008; gnomAD exomes 0.00009 and 0.00027; TOPMed 0.00019; gnomAD 0.00020; ESP Exome Variant Server 0.00031.
gnomAD v4.1: 412 of 1,614,014 alleles (0.026%); highest among the groups gnomAD compares: Non-Finnish European, 0.034%; no homozygotes.

Submissions (10):

Labcorp Genetics (formerly Invitae), Labcorp
Classification: Uncertain significance for Autosomal recessive polycystic kidney disease. Last evaluated: 2026-01-05. Review status: criteria provided, single submitter. Criteria: Invitae Variant Classification Sherloc (09022015). Collection method: clinical testing. Allele origin: germline.
Comment: This sequence change replaces proline, which is neutral and non-polar, with leucine, which is neutral and non-polar, at codon 1284 of the PKHD1 protein (p.Pro1284Leu). This variant is present in population databases (rs139838478, gnomAD 0.02%). This variant has not been reported in the literature in individuals affected with PKHD1-related conditions. ClinVar contains an entry for this variant (Variation ID: 500894). Invitae Evidence Modeling of protein sequence and biophysical properties (such as structural, functional, and spatial information, amino acid conservation, physicochemical variation, residue mobility, and thermodynamic stability) indicates that this missense variant is not expected to disrupt PKHD1 protein function with a negative predictive value of 95%. In summary, the available evidence is currently insufficient to determine the role of this variant in disease. Therefore, it has been classified as a Variant of Uncertain Significance.

GeneDx
Classification: Uncertain significance. Last evaluated: 2024-12-17. Review status: criteria provided, single submitter. Criteria: GeneDx Variant Classification Process June 2021. Collection method: clinical testing. Allele origin: germline. Affected: yes.
Comment: In silico analysis supports that this missense variant has a deleterious effect on protein structure/function; Has not been previously published as pathogenic or benign to our knowledge

Mayo Clinic Laboratories, Mayo Clinic
Classification: Uncertain significance. Last evaluated: 2024-11-08. Review status: criteria provided, single submitter. Criteria: ACMG Guidelines, 2015. Collection method: clinical testing. Allele origin: germline. Observed: 1 variant allele.
Comment: BP4, PM2_supporting

Blueprint Genetics
Classification: Uncertain significance. Last evaluated: 2024-08-08. Review status: criteria provided, single submitter. Criteria: ACMG Guidelines, 2015. Collection method: clinical testing. Allele origin: germline.

CeGaT Center for Human Genetics Tuebingen
Classification: Uncertain significance. Last evaluated: 2024-03-01. Review status: criteria provided, single submitter. Criteria: CeGaT Center For Human Genetics Tuebingen Variant Classification Criteria Version 2. Collection method: clinical testing. Allele origin: germline. Affected: yes. Observed: 1 variant allele.
Comment: PKHD1: PM2, BP4

Fulgent Genetics
Classification: Uncertain significance for Polycystic kidney disease 4. Last evaluated: 2022-04-21. Review status: criteria provided, single submitter. Criteria: ACMG Guidelines, 2015. Collection method: clinical testing. Allele origin: unknown.

Ambry Genetics
Classification: Uncertain significance for Inborn genetic diseases. Last evaluated: 2022-04-06. Review status: criteria provided, single submitter. Criteria: Ambry Variant Classification Scheme 2023. Collection method: clinical testing. Allele origin: germline.

Revvity Omics, Revvity
Classification: Uncertain significance for Polycystic kidney disease 4. Last evaluated: 2021-08-20. Review status: criteria provided, single submitter. Criteria: ACMG Guidelines, 2015. Collection method: clinical testing. Allele origin: germline.

Illumina Laboratory Services, Illumina
Classification: Uncertain significance for Polycystic kidney disease 4. Last evaluated: 2017-04-27. Review status: criteria provided, single submitter. Criteria: ICSL Variant Classification Criteria 13 December 2019. Collection method: clinical testing. Allele origin: germline.

Eurofins Ntd Llc (ga)
Classification: Uncertain significance. Last evaluated: 2017-03-16. Review status: criteria provided, single submitter. Criteria: EGL Classification Definitions 2015. Collection method: clinical testing. Allele origin: germline. Observed: 1 variant allele, 1 heterozygote.

NM_138694.4(PKHD1):c.3851C>T (p.Pro1284Leu)

Gene: PKHD1 (PKHD1 ciliary IPT domain containing fibrocystin/polyductin; minus strand). Cytogenetic location: 6p12.2.
Variant type: single nucleotide variant.
Coding change: c.3851C>T on transcript NM_138694.4 (MANE Select); coding-DNA position 3851, C replaced by T.
Protein change: p.Pro1284Leu; replaces proline 1284 with leucine.
Molecular consequence: missense variant.
Genome position (GRCh38, 1-based): chr6:52,025,959, G>A on the plus strand (C>T on the coding strand, the complement: PKHD1 is on the minus strand). VCF-style: chr6-52025959-G-A. GRCh37 (hg19) VCF-style: chr6-51890757-G-A.
Other names: p.Pro1284Leu; c.3851C>T, p.Pro1284Leu (NM_170724.3); short protein forms P1284L.
Identifiers: ClinVar variation 500894 (VCV000500894.38), dbSNP rs139838478, ClinGen allele CA3852823.
Genomic context (GRCh38, chr6:52,025,959, plus strand): 5'-GTGACTACTGGTGTTGCTGCCGCTTCATACATGAAGGTGAAGCCTTTCCCCACCAAGCTT[G>A]GTGAAGGACCACGGGCGAAGAACCTGTTGCCAGCCCAGACCTCCACGGCAGCTGGAACAG-3'
Protein context (NP_619639.3, residues 1274-1294): GNRFFARGPS[Pro1284Leu]SLVGKGFTFM